The following is an entry in ClinVar:

ClinVar aggregate classification (germline): Uncertain significance. Review status: criteria provided, single submitter (1 of 4 stars). 2 submissions from 2 submitters: Uncertain significance (1). 1 of the submissions does not count toward it. Last evaluated 2026-01-19.

Conditions:
MAGEL2-related disorder. Also called: MAGEL2-related condition.

Allele frequency attached by ClinVar (database versions not stated): gnomAD exomes below 0.00001; TOPMed below 0.00001.

Submissions (2):

Labcorp Genetics (formerly Invitae), Labcorp
Classification: Uncertain significance. Last evaluated: 2026-01-19. Review status: criteria provided, single submitter. Criteria: Invitae Variant Classification Sherloc (09022015). Collection method: clinical testing. Allele origin: germline.
Comment: This sequence change replaces alanine, which is neutral and non-polar, with valine, which is neutral and non-polar, at codon 39 of the MAGEL2 protein (p.Ala39Val). This variant is present in population databases (no rsID available, gnomAD 0.004%). This variant has not been reported in the literature in individuals affected with MAGEL2-related conditions. ClinVar contains an entry for this variant (Variation ID: 1945806). Experimental studies and prediction algorithms are not available or were not evaluated, and the functional significance of this variant is currently unknown. In summary, the available evidence is currently insufficient to determine the role of this variant in disease. Therefore, it has been classified as a Variant of Uncertain Significance.

PreventionGenetics, part of Exact Sciences
Classification: Uncertain significance for MAGEL2-related condition. Last evaluated: 2024-03-08. Review status: no assertion criteria provided. Collection method: clinical testing. Allele origin: germline. Not counted in ClinVar's aggregate classification.
Comment: The MAGEL2 c.116C>T variant is predicted to result in the amino acid substitution p.Ala39Val. To our knowledge, this variant has not been reported in the literature. This variant is reported in 0.0041% of alleles in individuals of Latino descent in gnomAD. At this time, the clinical significance of this variant is uncertain due to the absence of conclusive functional and genetic evidence.

NM_019066.5(MAGEL2):c.116C>T (p.Ala39Val)

Gene: MAGEL2 (MAGE family member L2; minus strand). Cytogenetic location: 15q11.2.
Variant type: single nucleotide variant.
Coding change: c.116C>T on transcript NM_019066.5 (MANE Select); coding-DNA position 116, C replaced by T.
Protein change: p.Ala39Val; replaces alanine 39 with valine.
Molecular consequence: missense variant.
Genome position (GRCh38, 1-based): chr15:23,647,627, G>A on the plus strand (C>T on the coding strand, the complement: MAGEL2 is on the minus strand). VCF-style: chr15-23647627-G-A. GRCh37 (hg19) VCF-style: chr15-23892774-G-A.
Other names: c.116C>T (NM_019066.4); short protein forms A39V.
Identifiers: ClinVar variation 1945806 (VCV001945806.6), dbSNP rs1220521808, ClinGen allele CA391337884.